The following is an entry in ClinVar:

NM_000384.3(APOB):c.2245-13A>G

Gene: APOB (apolipoprotein B; minus strand). Cytogenetic location: 2p24.1.
Variant type: single nucleotide variant.
Coding change: c.2245-13A>G on transcript NM_000384.3 (MANE Select); 13 bases into the intron before coding-DNA position 2245, A replaced by G.
Molecular consequence: intron variant.
Genome position (GRCh38, 1-based): chr2:21,025,137, T>C on the plus strand (A>G on the coding strand, the complement: APOB is on the minus strand). VCF-style: chr2-21025137-T-C. GRCh37 (hg19) VCF-style: chr2-21248009-T-C.
Identifiers: ClinVar variation 1697969 (VCV001697969.2), dbSNP rs2103372398, ClinGen allele CA2580064983.
Genomic context (GRCh38, chr2:21,025,137, plus strand): 5'-ATCTTTAATCAGCTTCTCAACACTGAGCATTATTCCATTTACCATATCCTGAGAGTTTAG[T>C]AATAAAATGGCCAGTGAGATGTCAGCAATGTCAAACACCTTTCAGTTCCCAATGTGGGAC-3'

ClinVar aggregate classification (germline): Uncertain significance (1 of 4 stars; one submission).

Conditions:
Hypercholesterolemia, autosomal dominant, type B (FHCL2). Also called: Familial Hypercholesterolemia Type B; HYPERCHOLESTEROLEMIA, FAMILIAL, DUE TO LIGAND-DEFECTIVE APOLIPOPROTEIN B; Hyperlipoproteinemia Type IIb; Familial hypercholesterolemia 2; APOLIPOPROTEIN B-100, FAMILIAL DEFECTIVE; APOLIPOPROTEIN B-100, FAMILIAL LIGAND-DEFECTIVE. Identifiers: MedGen C1704417, MONDO:0007751, OMIM 144010.

Submission:

Institute of Human Genetics, University of Goettingen
Classification: Uncertain significance for Hypercholesterolemia, autosomal dominant, type B. Last evaluated: 2022-07-26. Review status: criteria provided, single submitter. Criteria: ACMG Guidelines, 2015. Collection method: clinical testing. Allele origin: unknown. Inheritance: Autosomal dominant inheritance. Observed: 1 heterozygote.
Comment: The variant c.2245-13A>G (p.?) in intron 15 of the APOB-gene is not found in the gnomAD database and it affects a not conserved nucleotide. This variant has a benign computational verdict based on in silico splicing prediction programmes (varSEAK SSP, SpliceSiteFinder-like, MaxEntScan, NNSPLICE and GeneSplicer, Human Splicing Finder). ACMG criteria used for classification: PM2, BP4.